The following is an entry in ClinVar:

NM_001127208.3(TET2):c.2594T>C (p.Met865Thr)

Genes: TET2 (tet methylcytosine dioxygenase 2; plus strand), TET2-AS1 (TET2 antisense RNA 1; minus strand). Cytogenetic location: 4q24.
Variant type: single nucleotide variant.
Coding change: c.2594T>C on transcript NM_001127208.3 (MANE Select); coding-DNA position 2594, T replaced by C.
Protein change: p.Met865Thr; replaces methionine 865 with threonine.
Molecular consequence: missense variant.
Genome position (GRCh38, 1-based): chr4:105,236,536, T>C. VCF-style: chr4-105236536-T-C. GRCh37 (hg19) VCF-style: chr4-106157693-T-C.
Other names: c.2594T>C, p.Met865Thr (NM_017628.4); short protein forms M865T.
Identifiers: ClinVar variation 3967507 (VCV003967507.1).

ClinVar aggregate classification (germline): Uncertain significance (1 of 4 stars; one submission).

gnomAD v4.1: 2 of 1,614,030 alleles (0.00012%); no homozygotes.

Submission:

Ambry Genetics
Classification: Uncertain significance. Last evaluated: 2025-03-29. Review status: criteria provided, single submitter. Criteria: Ambry Variant Classification Scheme 2023. Collection method: clinical testing. Allele origin: germline.
Comment: The p.M865T variant (also known as c.2594T>C), located in coding exon 1 of the TET2 gene, results from a T to C substitution at nucleotide position 2594. The methionine at codon 865 is replaced by threonine, an amino acid with similar properties. This amino acid position is conserved. In addition, this alteration is predicted to be tolerated by in silico analysis. Based on the available evidence, the clinical significance of this variant remains unclear.